The following is an entry in ClinVar:

NM_198253.3(TERT):c.1574-1G>C

Gene: TERT (telomerase reverse transcriptase; minus strand). Cytogenetic location: 5p15.33.
Variant type: single nucleotide variant.
Coding change: c.1574-1G>C on transcript NM_198253.3 (MANE Select); the canonical splice acceptor site of the intron before coding-DNA position 1574, G replaced by C.
Molecular consequence: splice acceptor variant.
Genome position (GRCh38, 1-based): chr5:1,282,625, C>G on the plus strand (G>C on the coding strand, the complement: TERT is on the minus strand). VCF-style: chr5-1282625-C-G. GRCh37 (hg19) VCF-style: chr5-1282740-C-G.
Other names: c.1574-1G>C (NM_001193376.3).
Identifiers: ClinVar variation 2947241 (VCV002947241.3), dbSNP rs1750106866, ClinGen allele CA359083629.
Genomic context (GRCh38, chr5:1,282,625, plus strand): 5'-GGAACTTGGCCAGGATCTCCTCACGCAGACGGTGCTCTGCGGCCGGAACACAGCCAACCC[C>G]TTAAACGAGAAGGACATGCCACATCCAGATCACCGAGGGCCTGGTGACCTCACCCCGGAC-3'

ClinVar aggregate classification (germline): Likely pathogenic (1 of 4 stars; one submission).

Conditions:
Idiopathic Pulmonary Fibrosis. Also called: Idiopathic fibrosing alveolitis, chronic form; idiopathic fibrosing alveolitis. Identifiers: Orphanet 2032, MedGen C1800706, MeSH D054990, MONDO:0800504.
Dyskeratosis congenita, autosomal dominant 2. Identifiers: MedGen C3151443, MONDO:0013521, OMIM 613989.

Submission:

Labcorp Genetics (formerly Invitae), Labcorp
Classification: Likely pathogenic for Dyskeratosis congenita, autosomal dominant 2; Idiopathic Pulmonary Fibrosis. Last evaluated: 2023-05-16. Review status: criteria provided, single submitter. Criteria: Invitae Variant Classification Sherloc (09022015). Collection method: clinical testing. Allele origin: germline.
Comment: This variant has not been reported in the literature in individuals affected with TERT-related conditions. In summary, the currently available evidence indicates that the variant is pathogenic, but additional data are needed to prove that conclusively. Therefore, this variant has been classified as Likely Pathogenic. Algorithms developed to predict the effect of sequence changes on RNA splicing suggest that this variant may disrupt the consensus splice site. This variant is not present in population databases (gnomAD no frequency). This sequence change affects an acceptor splice site in intron 2 of the TERT gene. It is expected to disrupt RNA splicing. Variants that disrupt the donor or acceptor splice site typically lead to a loss of protein function (PMID: 16199547), and loss-of-function variants in TERT are known to be pathogenic (PMID: 16247010, 17460043).

Literature cited by the submitters: PubMed 16199547; PubMed 16247010; PubMed 17460043.